The following is an entry in ClinVar:

NM_001033855.3(DCLRE1C):c.181T>C (p.Cys61Arg)

Gene: DCLRE1C (DNA cross-link repair 1C; minus strand). Cytogenetic location: 10p13.
Variant type: single nucleotide variant.
Coding change: c.181T>C on transcript NM_001033855.3 (MANE Select); coding-DNA position 181, T replaced by C.
Protein change: p.Cys61Arg; replaces cysteine 61 with arginine.
Molecular consequence: missense variant. On other transcripts: 5 prime UTR variant (8), non-coding transcript variant (4), intron variant (1).
Genome position (GRCh38, 1-based): chr10:14,945,170, A>G on the plus strand (T>C on the coding strand, the complement: DCLRE1C is on the minus strand). VCF-style: chr10-14945170-A-G. GRCh37 (hg19) VCF-style: chr10-14987169-A-G.
Other names: NM_001033855.3(DCLRE1C):c.181T>C; p.Cys61Arg; c.-180T>C (NM_001033857.3, NM_001289077.2, NM_001350967.2); c.-502T>C (NM_001033858.3, NM_001289079.2); c.-109T>C (NM_001289078.2, NM_001350966.2, NM_022487.4); c.181T>C, p.Cys61Arg (NM_001350965.2); c.-44+3866T>C (NM_001289076.2); short protein forms C61R.
Identifiers: ClinVar variation 648095 (VCV000648095.5), dbSNP rs1589136760, ClinGen allele CA376063513.

ClinVar aggregate classification (germline): Uncertain significance. Review status: reviewed by expert panel (3 of 4 stars). 2 submissions from 2 submitters: Uncertain significance (1). 1 of the submissions does not count toward it. Last evaluated 2024-02-15.

Conditions:
Severe combined immunodeficiency due to DCLRE1C deficiency (RS-SCID). Also called: SCID, AUTOSOMAL RECESSIVE, T CELL-NEGATIVE, B CELL-NEGATIVE, NK CELL-POSITIVE, WITH SENSITIVITY TO IONIZING RADIATION. Identifiers: Orphanet 275, MedGen C1865371, MONDO:0011225, OMIM 602450.

Submissions (2):

ClinGen Severe Combined Immunodeficiency Variant Curation Expert Panel, ClinGen
Classification: Uncertain significance for Severe combined immunodeficiency due to DCLRE1C deficiency. Last evaluated: 2024-02-15. Review status: reviewed by expert panel. Criteria: ClinGen SCID ACMG Specifications DCLRE1C V1.0.0. Collection method: curation. Allele origin: germline. Inheritance: Autosomal recessive inheritance.
Comment: The c.181T>C (NM_001033855.3) variant in DCLRE1C is a missense variant predicted to cause substitution of Cysteine by Arginine at amino acid 61 (p.Cys61Arg). This variant is absent from gnomAD v4 (PM2_Supporting). To our knowledge, this variant has not been reported in the literature in individuals affected with DCLRE1C-related conditions or in functional studies. In summary, this variant meets the criteria to be classified as a variant of uncertain significance for autosomal recessive severe combined immunodeficiency due to DCLRE1C deficiency based on the ACMG/AMP criteria applied, as specified by the ClinGen SCID VCEP. Criteria applied: PM2_Supporting (VCEP specifications version 1.0).

Labcorp Genetics (formerly Invitae), Labcorp
Classification: Uncertain significance for Athabaskan severe combined immunodeficiency. Last evaluated: 2022-03-26. Review status: criteria provided, single submitter. Criteria: Invitae Variant Classification Sherloc (09022015). Collection method: clinical testing. Allele origin: germline. Not counted in ClinVar's aggregate classification.
Comment: This sequence change replaces cysteine, which is neutral and slightly polar, with arginine, which is basic and polar, at codon 61 of the DCLRE1C protein (p.Cys61Arg). This variant is not present in population databases (gnomAD no frequency). This variant has not been reported in the literature in individuals affected with DCLRE1C-related conditions. ClinVar contains an entry for this variant (Variation ID: 648095). Algorithms developed to predict the effect of missense changes on protein structure and function are either unavailable or do not agree on the potential impact of this missense change (SIFT: "Tolerated"; PolyPhen-2: "Probably Damaging"; Align-GVGD: "Class C0"). In summary, the available evidence is currently insufficient to determine the role of this variant in disease. Therefore, it has been classified as a Variant of Uncertain Significance.